The following is an entry in ClinVar:

ClinVar aggregate classification (germline): Likely benign. Review status: criteria provided, single submitter (1 of 4 stars). 2 submissions from 2 submitters: Likely benign (1). 1 of the submissions does not count toward it. Last evaluated 2023-05-08.

Conditions:
GUF1-related disorder. Also called: GUF1-related condition.

Allele frequency attached by ClinVar (database versions not stated): gnomAD exomes 0.00001 and 0.00004; ExAC 0.00005; TOPMed 0.00014; ESP Exome Variant Server 0.00015; gnomAD 0.00015.
gnomAD v4.1: 30 of 1,531,890 alleles (0.002%); highest among the groups gnomAD compares: African/African-American, 0.042%; no homozygotes.

Submissions (2):

Labcorp Genetics (formerly Invitae), Labcorp
Classification: Likely benign. Last evaluated: 2023-05-08. Review status: criteria provided, single submitter. Criteria: Invitae Variant Classification Sherloc (09022015). Collection method: clinical testing. Allele origin: germline.

PreventionGenetics, part of Exact Sciences
Classification: Likely benign for GUF1-related condition. Last evaluated: 2019-06-14. Review status: no assertion criteria provided. Collection method: clinical testing. Allele origin: germline. Not counted in ClinVar's aggregate classification.
Comment: This variant is classified as likely benign based on ACMG/AMP sequence variant interpretation guidelines (Richards et al. 2015 PMID: 25741868, with internal and published modifications).

NM_021927.3(GUF1):c.558G>A (p.Gln186=)

Gene: GUF1 (GTP binding elongation factor GUF1; plus strand). Cytogenetic location: 4p12.
Variant type: single nucleotide variant.
Coding change: c.558G>A on transcript NM_021927.3 (MANE Select); coding-DNA position 558, G replaced by A.
Protein change: p.Gln186=; no amino-acid change (glutamine 186 retained).
Molecular consequence: synonymous variant. On other transcripts: 5 prime UTR variant (2).
Genome position (GRCh38, 1-based): chr4:44,682,384, G>A. VCF-style: chr4-44682384-G-A. GRCh37 (hg19) VCF-style: chr4-44684401-G-A.
Other names: c.-411G>A (NM_001345867.2); c.558G>A, p.Gln186= (NM_001345868.2); c.-415G>A (NM_001345869.2); c.558G>A (NM_021927.2).
Identifiers: ClinVar variation 1588325 (VCV001588325.10), dbSNP rs369765501, ClinGen allele CA2905338.